The following is an entry in ClinVar:

ClinVar aggregate classification (germline): Conflicting classifications of pathogenicity. Review status: criteria provided, conflicting classifications (1 of 4 stars). 10 submissions from 10 submitters: Pathogenic (1); Likely pathogenic (5); Uncertain significance (3). 1 of the submissions does not count toward it. Last evaluated 2026-08-03.

Conditions:
PKD1-related disorder. Also called: PKD1-related condition.
Polycystic kidney disease, adult type (PKD1). Also called: Polycystic Kidney Disease 1, Autosomal Dominant; Polycystic kidney disease 1; POLYCYSTIC KIDNEY DISEASE, ADULT, TYPE I; Polycystic Kidney, Autosomal Dominant; Polycystic kidney disease 1, severe; POLYCYSTIC KIDNEY DISEASE 1 WITH OR WITHOUT POLYCYSTIC LIVER DISEASE. Identifiers: MedGen C3149841, MONDO:0008263, OMIM 173900.
Polycystic kidney disease. Also called: Polycystic kidney dysplasia; Kidney, Polycystic. Identifiers: MedGen C0022680, MeSH D007690, MONDO:0020642, HP:0000113.

Submissions (10):

PreventionGenetics, part of Exact Sciences
Classification: Pathogenic for PKD1-related condition. Last evaluated: 2026-08-03. Review status: criteria provided, single submitter. Criteria: ACMG Guidelines, 2015. Collection method: clinical testing. Allele origin: germline.
Comment: The PKD1 c.4828_4830delATC variant is predicted to result in an in-frame deletion (p.Ile1610del). This variant has been reported in individuals with autosomal dominant polycystic kidney disease (ADPKD) (Rossetti et al. 2012. PubMed ID: 22383692; Table S3 of Bleyer et al. 2022. PubMed ID: 35325889; Table S3 of Mallawaarachchi et al. 2021. PubMed ID: 33437033). In addition, we have also detected this variant in multiple presumably unrelated patients tested for PKD at PreventionGenetics (internal data). Of note, in-frame small deletions in the PKD1 gene have been commonly reported to be pathogenic for ADPKD. This variant is reported in 0.004% of alleles in individuals of African descent in gnomAD. This variant is interpreted as pathogenic.

Women's Health and Genetics/Laboratory Corporation of America, LabCorp
Classification: Likely pathogenic for Polycystic kidney disease, adult type. Last evaluated: 2026-03-24. Review status: criteria provided, single submitter. Criteria: LabCorp Variant Classification Summary - May 2015. Collection method: clinical testing. Allele origin: germline.
Comment: Variant summary: PKD1 c.4828_4830delATC (p.Ile1610del) results in an in-frame deletion that is predicted to remove one amino acid from the encoded protein. The variant allele was found at a frequency of 8e-06 in 249530 control chromosomes. c.4828_4830delATC has been observed in individuals affected with autosomal dominant Polycystic Kidney Disease 1 (example: Rossetti_2012, Carrera_2016, Mallawaarachchi_2021, Bleyer_2022, Ciantar_2024, Giovanella_2026). These data indicate that the variant is likely to be associated with disease. To our knowledge, no experimental evidence demonstrating an impact on protein function has been reported. The following publications have been ascertained in the context of this evaluation (PMID: 35325889, 38537868, 33437033, 22383692, 40533884, 27499327). ClinVar contains an entry for this variant (Variation ID: 972883). Based on the evidence outlined above, the variant was classified as likely pathogenic.

Dubai Health Genomic Medicine Center, Dubai Health
Classification: Likely pathogenic for Polycystic kidney disease 1. Last evaluated: 2024-10-04. Review status: criteria provided, single submitter. Criteria: ACMG Guidelines, 2015. Collection method: research. Allele origin: germline. Affected: yes.
Comment: PS4,PM2,PM4

GeneDx
Classification: Likely pathogenic. Last evaluated: 2024-05-21. Review status: criteria provided, single submitter. Criteria: GeneDx Variant Classification Process June 2021. Collection method: clinical testing. Allele origin: germline. Affected: yes.
Comment: In-frame deletion of 1 amino acid in a non-repeat region; Not observed at a significant frequency in large population cohorts (gnomAD); In silico analysis supports a deleterious effect on protein structure/function; This variant is associated with the following publications: (PMID: 33437033, 35325889, 22383692)

(GEEPAD) Grupo de Estudio de la Enfermedad Poliquística Autosómica Dominante, Hospitales Universitarios Virgen de las Nieves y San Cecilio (Granada)
Classification: Likely pathogenic for Polycystic kidney disease, adult type. Last evaluated: 2022-08-03. Review status: criteria provided, single submitter. Criteria: ACMG Guidelines, 2015. Collection method: clinical testing. Allele origin: germline. Affected: yes. Observed: 1 variant allele.

Fulgent Genetics
Classification: Likely pathogenic for Polycystic kidney disease, adult type. Last evaluated: 2021-06-30. Review status: criteria provided, single submitter. Criteria: ACMG Guidelines, 2015. Collection method: clinical testing. Allele origin: unknown.
Comment: This variant has been detected in individual(s) who were sent for testing of Renasight - kidney gene panel.

Victorian Clinical Genetics Services, Murdoch Childrens Research Institute
Classification: Uncertain significance for Polycystic kidney disease, adult type. Last evaluated: 2021-05-06. Review status: criteria provided, single submitter. Criteria: ACMG Guidelines, 2015. Collection method: clinical testing. Allele origin: germline. Inheritance: Autosomal dominant inheritance. Affected: yes.
Comment: Based on the classification scheme VCGS_Germline_v1.3.4, this variant is classified as VUS-3A. Following criteria are met: 0102 - Loss of function is a known mechanism of disease in this gene and is associated with polycystic kidney disease 1 (MIM#173900). (I) 0107 - This gene is associated with autosomal dominant disease. Polycystic kidney disease 1 (MIM#173900) is predominantly caused by monoallelic variants, with rare reports of biallelic variants causing disease (OMIM). (I) 0216 - In-frame deletion in a non-repetitive region that has low conservation. (SP) 0251 - This variant is heterozygous. (I) 0302 - Variant is present in gnomAD (v2) <0.001 for a dominant condition (3 heterozygotes, 0 homozygotes). (SP) 0600 - Variant is located in the annotated PKD 11 domain (Uniprot). (I) 0705 - No comparable variants have previous evidence for pathogenicity. (I) 0808 - Previous reports of pathogenicity for this variant are conflicting. This variant has been reported as likely pathogenic in individuals with polycystic kidney disease (PMID: 22383692, 27499327). However, the most recent reports have classified it as VUS (ClinVar). (I) 0905 - No published segregation evidence has been identified for this variant. (I) 1007 - No published functional evidence has been identified for this variant. (I) 1208 - Inheritance information for this variant is not currently available in this individual. (I) Legend: (SP) - Supporting pathogenic, (I) - Information, (SB) - Supporting benign

Molecular Genetics of Inherited Kidney Disorders Laboratory, Garvan Institute of Medical Research
Classification: Uncertain significance. Last evaluated: 2019-01-01. Review status: criteria provided, single submitter. Criteria: ACMG Guidelines, 2015. Collection method: clinical testing. Allele origin: germline. Affected: yes.

Juno Genomics, Hangzhou Juno Genomics, Inc
Classification: Uncertain significance for Polycystic kidney disease, adult type. Review status: criteria provided, single submitter. Criteria: ACMG Guidelines, 2015. Collection method: clinical testing. Allele origin: germline. Affected: yes.
Comment: Absent from controls (or at extremely low frequency if recessive) in Genome Aggregation Database.;Protein length changes due to in-frame deletions/insertions in a non-repeat region or stop-loss variants.;The prevalence of the variant in affected individuals is significantly increased compared to the prevalence in controls.;Patient's phenotype or family history is highly specific for a disease with a single genetic etiology.

Department of Pathology and Laboratory Medicine, Sinai Health System
Classification: Uncertain significance for Polycystic Kidney disease. Review status: no assertion criteria provided. Collection method: clinical testing. Allele origin: unknown. Affected: yes. Study: The Canadian Open Genetics Repository (COGR). Not counted in ClinVar's aggregate classification.
Comment: The PKD1 p.Ile1610del variant was identified in 1 of 460 proband chromosomes (frequency: 0.0022) from individuals or families with PKD and was classified in this study as â€šÃ„Ãºlikely pathogenic (Rossetti 2012). The variant was also identified in ADPKD Mutation Database (9x as likely pathogenic). The variant was not identified in ClinVar, LOVD 3.0, or PKD1-LOVD. The variant was identified in control databases in 2 of 276082 chromosomes at a frequency of 0.000007 (Genome Aggregation Database Feb 27, 2017). The variant was observed in the following populations: Latino in 1 of 34414 chromosomes (freq: 0.000029), European (Non-Finnish) in 1 of 125782 chromosomes (freq: 0.000008); it was not observed in the African, Ashkenazi Jewish, East Asian, European (Finnish), Other, and South Asian populations. This variant is an in-frame deletion resulting in the removal of an isoleucine (Ile) residue at codon 1610; the impact of this alteration on PKD1 protein function is not known. In summary, based on the above information the clinical significance of this variant cannot be determined with certainty at this time. This variant is classified as a variant of uncertain significance.

Literature cited by the submitters: PubMed 27499327 (cited by Women's Health and Genetics/Laboratory Corporation of America, LabCorp and Victorian Clinical Genetics Services, Murdoch Childrens Research Institute); PubMed 33437033 (cited by Women's Health and Genetics/Laboratory Corporation of America, LabCorp); PubMed 22383692 (cited by Women's Health and Genetics/Laboratory Corporation of America, LabCorp and Victorian Clinical Genetics Services, Murdoch Childrens Research Institute); PubMed 35325889 (cited by Women's Health and Genetics/Laboratory Corporation of America, LabCorp); PubMed 38537868 (cited by Women's Health and Genetics/Laboratory Corporation of America, LabCorp); PubMed 40533884 (cited by Women's Health and Genetics/Laboratory Corporation of America, LabCorp).

NM_001009944.3(PKD1):c.4825ATC[1] (p.Ile1610del)

Gene: PKD1 (polycystin 1, transient receptor potential channel interacting; minus strand). Cytogenetic location: 16p13.3.
Variant type: Microsatellite.
Coding change: c.4825ATC[1] on transcript NM_001009944.3 (MANE Select); one copy of the 3-base unit ATC starting at c.4825; the reference has two copies in a row; one copy, 3 bases deleted; also written c.4828_4830del.
Protein change: p.Ile1610del; deletes isoleucine 1610.
Molecular consequence: inframe deletion.
Genome position (GRCh38, 1-based): chr16:2,110,337-2,110,339, GAT deleted on the plus strand (ATC on the coding strand, the reverse complement: PKD1 is on the minus strand); deleting any 3 consecutive bases within chr16:2,110,337-2,110,342 gives the same sequence; the position shown is the placement nearest the transcript's 3' end. VCF-style (leftmost placement, unchanged base first): chr16-2110336-CGAT-C. GRCh37 (hg19) VCF-style: chr16-2160337-CGAT-C.
Other names: c.4825ATC[1], p.Ile1610del (NM_000296.4); c.4828_4830del (NM_001009944.2, NM_001009944.3); c.4828_4830delATC (NM_001009944.3); short protein forms I1610del.
Identifiers: ClinVar variation 972883 (VCV000972883.19), dbSNP rs1567198691, ClinGen allele CA620705788.
Genomic context (GRCh38, chr16:2,110,336, plus strand): 5'-GCTGCAGGACATAGACGAAGATGCTGTCCTGGGCGGAGCCCACCTCGTTCTCAGCCGTGA[CGAT>C]GATATTGAAGGTGCCCACGGAGCGGAAGGTGTAAGAGATGGTAGGACCCCCAGGGATGGG-3'